The following is an entry in ClinVar:

ClinVar aggregate classification (germline): Uncertain significance. Review status: criteria provided, multiple submitters, no conflicts (2 of 4 stars). 3 submissions from 3 submitters: Uncertain significance (2). 1 of the submissions does not count toward it. Last evaluated 2024-11-16.

Conditions:
Immunodeficiency 14 (IMD14A). Also called: ACTIVATED PI3K-DELTA SYNDROME 1; IMMUNODEFICIENCY 14A WITH LYMPHOPROLIFERATION, AUTOSOMAL DOMINANT; Activated PI3K Delta Syndrome Type 1 (APDS1); p110-DELTA-ACTIVATING MUTATION CAUSING SENESCENT T CELLS, LYMPHADENOPATHY, AND IMMUNODEFICIENCY. Identifiers: Orphanet 397596, Orphanet 693661, MedGen C5907821, MONDO:0014222, OMIM 615513.
PIK3CD-related disorder. Also called: PIK3CD-related condition.
Activated PI3K-delta syndrome. Identifiers: Orphanet 397596, MedGen C3714976, MONDO:0018338.

Allele frequency attached by ClinVar (database versions not stated): gnomAD 0.00006; TOPMed 0.00010; ExAC 0.00004; gnomAD exomes 0.00005.

Submissions (3):

Labcorp Genetics (formerly Invitae), Labcorp
Classification: Uncertain significance for Activated PI3K-delta syndrome. Last evaluated: 2024-11-16. Review status: criteria provided, single submitter. Criteria: Invitae Variant Classification Sherloc (09022015). Collection method: clinical testing. Allele origin: germline.
Comment: This sequence change replaces alanine, which is neutral and non-polar, with threonine, which is neutral and polar, at codon 468 of the PIK3CD protein (p.Ala468Thr). This variant is present in population databases (rs761356083, gnomAD 0.02%). This variant has not been reported in the literature in individuals affected with PIK3CD-related conditions. ClinVar contains an entry for this variant (Variation ID: 1061373). Invitae Evidence Modeling of protein sequence and biophysical properties (such as structural, functional, and spatial information, amino acid conservation, physicochemical variation, residue mobility, and thermodynamic stability) indicates that this missense variant is not expected to disrupt PIK3CD protein function with a negative predictive value of 80%. In summary, the available evidence is currently insufficient to determine the role of this variant in disease. Therefore, it has been classified as a Variant of Uncertain Significance.

PreventionGenetics, part of Exact Sciences
Classification: Uncertain significance for PIK3CD-related condition. Last evaluated: 2022-08-23. Review status: criteria provided, single submitter. Criteria: ACMG Guidelines, 2015. Collection method: clinical testing. Allele origin: germline.
Comment: The PIK3CD c.1402G>A variant is predicted to result in the amino acid substitution p.Ala468Thr. To our knowledge, this variant has not been reported in the literature. This variant is reported in 0.025% of alleles in individuals of East Asian descent in gnomAD, which may be too common to be causative of disease. Although we suspect that this variant may be benign, at this time, the clinical significance of this variant is uncertain due to the absence of conclusive functional and genetic evidence.

Immunology Clinic, Ucla
Classification: Likely benign for Activated PI3K-delta syndrome. Review status: no assertion criteria provided. Collection method: research. Allele origin: germline, not applicable. Affected: yes. Functional consequence: gain_of_function_variant. Not counted in ClinVar's aggregate classification.
Comment: The PIK3CD c.1402G>A (p.Ala468Thr) variant results in a missense substitution of alanine to threonine at codon 468. This residue is not highly conserved, and the substitution occurs outside of currently known critical functional domains of the protein. Functional studies provide evidence supporting a Likely Benign classification. Immune profiling demonstrated T follicular helper (TFH) cells at 19%, which is below control levels typically associated with gain-of-function PIK3CD variants . Additionally, there was no evidence of activation of the mTOR signaling pathway, suggesting that PI3K signaling remains unaffected. This variant is present in population databases (gnomAD 0.02%). Given the lack of supporting functional evidence, along with benign computational predictions and population frequency data, the variant is best classified as likely Benign

Literature cited by the submitters: PubMed 31031754 (cited by Immunology Clinic, Ucla).

NM_005026.5(PIK3CD):c.1402G>A (p.Ala468Thr)

Genes: PIK3CD (phosphatidylinositol-4,5-bisphosphate 3-kinase catalytic subunit delta; plus strand), LOC126805612 (MED14-independent group 3 enhancer GRCh37_chr1:9778914-9780113; plus strand). Cytogenetic location: 1p36.22.
Variant type: single nucleotide variant.
Coding change: c.1402G>A on transcript NM_005026.5 (MANE Select); coding-DNA position 1402, G replaced by A.
Protein change: p.Ala468Thr; replaces alanine 468 with threonine.
Molecular consequence: missense variant.
Genome position (GRCh38, 1-based): chr1:9,720,174, G>A. VCF-style: chr1-9720174-G-A. GRCh37 (hg19) VCF-style: chr1-9780232-G-A.
Other names: c.1402G>A (NM_005026.3); c.1402G>A, p.Ala468Thr (NM_001350234.2); c.1315G>A, p.Ala439Thr (NM_001350235.1); short protein forms A439T, A468T.
Identifiers: ClinVar variation 1061373 (VCV001061373.8), dbSNP rs761356083, ClinGen allele CA577189.